The following is an entry in ClinVar:

NM_170707.4(LMNA):c.1381-15C>T

Gene: LMNA (lamin A/C; plus strand). Cytogenetic location: 1q22.
Variant type: single nucleotide variant.
Coding change: c.1381-15C>T on transcript NM_170707.4 (MANE Select); 15 bases into the intron before coding-DNA position 1381, C replaced by T.
Molecular consequence: intron variant.
Genome position (GRCh38, 1-based): chr1:156,136,906, C>T. VCF-style: chr1-156136906-C-T. GRCh37 (hg19) VCF-style: chr1-156106697-C-T.
Other names: c.1381-15C>T (NM_001406983.1, NM_001282625.2, NM_001406984.1 and 6 more transcripts); c.823-15C>T (NM_001407002.1, NM_001406993.1, NM_001407003.1 and 4 more transcripts); c.757-15C>T (NM_001406999.1, NM_001407000.1, NM_001406994.1 and 1 more transcripts); c.1138-15C>T (NM_001406986.1, NM_001406987.1, NM_001282624.2); c.1045-15C>T (NM_001406989.1, NM_001257374.3, NM_001406998.1); c.1084-15C>T (NM_001406988.1).
Identifiers: ClinVar variation 3070093 (VCV003070093.1), dbSNP rs2528006266, ClinGen allele CA2825000855.

ClinVar aggregate classification (germline): Likely benign (1 of 4 stars; one submission).

Conditions:
Primary dilated cardiomyopathy (DCM). Also called: Dilated Cardiomyopathy. Identifiers: Orphanet 217604, MedGen C0007193, MeSH D002311, MONDO:0005021, HP:0001644. Inheritance: Various modes of inheritance.

Submission:

All of Us Research Program, National Institutes of Health
Classification: Likely benign for Primary dilated cardiomyopathy. Last evaluated: 2023-04-03. Review status: criteria provided, single submitter. Criteria: ACMG Guidelines, 2015. Collection method: clinical testing. Allele origin: germline. Inheritance: Autosomal dominant inheritance. Observed: 1 variant allele, 1 heterozygote.
Comment: This study involves interpretation of variants in research participants for the purpose of population health screening. Participant phenotype was not available at the time of variant classification. Additional details can be found in publication PMID: 35346344, PMCID: PMC8962531